The following is an entry in ClinVar:

ClinVar aggregate classification (germline): Pathogenic (1 of 4 stars; one submission).

Conditions:
Bloom syndrome (BLM). Also called: Bloom-Torre-Machacek syndrome. Identifiers: Orphanet 125, MedGen C0005859, MONDO:0008876, OMIM 210900.

Submission:

Labcorp Genetics (formerly Invitae), Labcorp
Classification: Pathogenic for Bloom syndrome. Last evaluated: 2024-11-15. Review status: criteria provided, single submitter. Criteria: Invitae Variant Classification Sherloc (09022015). Collection method: clinical testing. Allele origin: germline.
Comment: This sequence change creates a premature translational stop signal (p.Lys761Asnfs*54) in the BLM gene. It is expected to result in an absent or disrupted protein product. Loss-of-function variants in BLM are known to be pathogenic (PMID: 17407155). This variant is not present in population databases (gnomAD no frequency). This variant has not been reported in the literature in individuals affected with BLM-related conditions. For these reasons, this variant has been classified as Pathogenic.

Literature cited by the submitters: PubMed 17407155.

NM_000057.4(BLM):c.2283del (p.Lys761fs)

Gene: BLM (BLM RecQ like helicase; plus strand). Cytogenetic location: 15q26.1.
Variant type: Deletion.
Coding change: c.2283del on transcript NM_000057.4 (MANE Select); coding-DNA position 2283, one base deleted (A; older notation c.2283delA).
Protein change: p.Lys761fs; shifts the reading frame from lysine 761.
Molecular consequence: frameshift variant.
Genome position (GRCh38, 1-based): chr15:90,766,999, A deleted; the last of 4 consecutive A bases (chr15:90,766,996-90,766,999); deleting any one gives the same sequence. VCF-style (leftmost placement, unchanged base first): chr15-90766995-TA-T. GRCh37 (hg19) VCF-style: chr15-91310225-TA-T.
Other names: c.2283del, p.Lys761fs (NM_001287246.2, NM_001287247.2); c.1158del, p.Lys386fs (NM_001287248.2); short protein forms K761fs, K386fs.
Identifiers: ClinVar variation 3705823 (VCV003705823.2).